The following is an entry in ClinVar:

NM_005859.5(PURA):c.276C>T (p.Gly92=)

Gene: PURA (purine rich element binding protein A; plus strand). Cytogenetic location: 5q31.3.
Variant type: single nucleotide variant.
Coding change: c.276C>T on transcript NM_005859.5 (MANE Select); coding-DNA position 276, C replaced by T.
Protein change: p.Gly92=; no amino-acid change (glycine 92 retained).
Molecular consequence: synonymous variant.
Genome position (GRCh38, 1-based): chr5:140,114,457, C>T. VCF-style: chr5-140114457-C-T. GRCh37 (hg19) VCF-style: chr5-139494042-C-T.
Identifiers: ClinVar variation 1991155 (VCV001991155.17), dbSNP rs147102558, ClinGen allele CA3437443.

ClinVar aggregate classification (germline): Likely benign. Review status: criteria provided, multiple submitters, no conflicts (2 of 4 stars). 2 submissions from 2 submitters: Likely benign (2). Last evaluated 2025-02-01.

Conditions:
PURA-related severe neonatal hypotonia-seizures-encephalopathy syndrome (NEDRIHF). Also called: NEURODEVELOPMENTAL DISORDER WITH NEONATAL RESPIRATORY INSUFFICIENCY, HYPOTONIA, AND FEEDING DIFFICULTIES; PURA-Related Neurodevelopmental Disorders. Identifiers: Orphanet 438213, Orphanet 438216, MedGen C4015357, MONDO:1060108, OMIM 616158, MONDO:0018580.

Allele frequency attached by ClinVar (database versions not stated): gnomAD exomes below 0.00001; TOPMed below 0.00001; ExAC 0.00001; gnomAD 0.00001; ESP Exome Variant Server 0.00008.

Submissions (2):

CeGaT Center for Human Genetics Tuebingen
Classification: Likely benign. Last evaluated: 2025-02-01. Review status: criteria provided, single submitter. Criteria: CeGaT Center For Human Genetics Tuebingen Variant Classification Criteria Version 2. Collection method: clinical testing. Allele origin: germline. Affected: yes. Observed: 1 variant allele.
Comment: PURA: BP4, BP7

Labcorp Genetics (formerly Invitae), Labcorp
Classification: Likely benign for PURA-related severe neonatal hypotonia-seizures-encephalopathy syndrome. Last evaluated: 2022-09-12. Review status: criteria provided, single submitter. Criteria: Invitae Variant Classification Sherloc (09022015). Collection method: clinical testing. Allele origin: germline.